The following is an entry in ClinVar:

NC_012920.1(MT-ATP6):m.8993T>G

Genes: MT-ATP6 (mitochondrially encoded ATP synthase 6; plus strand), MT-ATP8 (mitochondrially encoded ATP synthase 8; plus strand), MT-CO1 (mitochondrially encoded cytochrome c oxidase I; plus strand), MT-CO2 (mitochondrially encoded cytochrome c oxidase II; plus strand), MT-CO3 (mitochondrially encoded cytochrome c oxidase III; plus strand) and 21 more.
Variant type: single nucleotide variant.
Genome position: chrM-8993-T-G.
Other names: MTATP6, 8993T-G, LEU156ARG; L156R; :p.Leu156Arg.
Identifiers: ClinVar variation 9641 (VCV000009641.36), dbSNP rs199476133, ClinGen allele CA250380.

ClinVar aggregate classification (germline): Pathogenic. Review status: reviewed by expert panel (3 of 4 stars). 27 submissions from 25 submitters: Pathogenic (1). 26 of the submissions do not count toward it. Last evaluated 2021-03-22.

Conditions:
Cerebellar ataxia. Identifiers: Orphanet 102002, MedGen C0007758, MONDO:0000437.
MT-ATP6-related disorder.
Primary Mitochondrial Disorders. Identifiers: MedGen CN381104.
Mitochondrial complex 5 (ATP synthase) deficiency, mitochondrial type 1. Also called: Mitochondrial complex v (atp synthase) deficiency, mitochondrial type 1. Identifiers: MedGen C3275684, MONDO:0027069, OMIM 500015.
Mitochondrial disease. Also called: Mitochondrial disorder; Mitochondrial disorders. Identifiers: Orphanet 68380, MedGen C0751651, MeSH D028361, MONDO:0044970.
Leber optic atrophy (LHON). Also called: Leber hereditary optic neuropathy; Leber's disease; Leber's optic atrophy; Optic Atrophy, Hereditary, Leber. Identifiers: Orphanet 104, MedGen C0917796, MONDO:0010788, OMIM 535000, HP:0001112.
NARP syndrome. Also called: NEUROPATHY, ATAXIA, AND RETINITIS PIGMENTOSA; NARP. Identifiers: Orphanet 644, MedGen C1328349, MONDO:0010794, OMIM 551500.
Leigh syndrome (NULS). Also called: Leigh's syndrome; Subacute necrotizing encephalopathy; Necrotizing encephalopathy infantile subacute of Leigh; Leigh's necrotizing encephalopathy; Leigh's disease; LEIGH SYNDROME, NUCLEAR. Identifiers: Orphanet 506, MedGen C2931891, MONDO:0009723, OMIM 256000.
Rod-cone dystrophy. Identifiers: MedGen C4551714, HP:0000510.
Bilateral cleft lip and palate. Identifiers: MedGen C1398522.
Premature birth. Identifiers: MedGen C0151526, HP:0001622.
Wide intermamillary distance. Identifiers: MedGen C1827524, HP:0006610.
Hypoplasia of scrotum. Identifiers: MedGen C0431659.
Hypertelorism. Identifiers: MedGen C0020534, OMIM 145400, HP:0000316.
Postaxial hand polydactyly. Also called: Postaxial polydactyly of fingers. Identifiers: MedGen C0431904, MONDO:0017426, HP:0001162.
Low-set ears. Identifiers: MedGen C0239234, HP:0000369.
Camptodactyly of finger. Identifiers: MedGen C0409348, HP:0100490.

Submissions 1 to 8 of 27:

ClinGen Mitochondrial Disease Nuclear and Mitochondrial  Variant Curation Expert Panel, ClinGen
Classification: Pathogenic for Mitochondrial disease. Last evaluated: 2021-03-22. Review status: reviewed by expert panel. Criteria: McCormick et al. (Hum Mutat. 2020). Collection method: curation. Allele origin: germline. Inheritance: Mitochondrial inheritance.
Comment: The m.8993T>G (p.L156R) variant in MT-ATP6 has been reported in >16 individuals with primary mitochondrial disease (PS4; PMIDs: 2137962, 8250532, 8240109, 7605802, 8505474, 9221962, 10208283, 16525806, 10660580). There are several reports of de novo occurrences of this variant (PM6_strong, PMIDs: 29602698, 27450679, 12134275). This variant is located at the same amino acid position as another well-known pathogenic variant, m.8993T>C (p.L156P) (PM5). This variant segregated with disease in multiple affected members in multiple families and several healthy family members had lower to undetectable levels of the variant (PP1_moderate; PMIDs: 2137962, 1436530, 1550128, 8095070, 9221962). This variant is absent in population databases after removing known patients with mitochondrial disease (PM2_supporting). In silico tools (APOGEE) predict this variant to be pathogenic (PP3). Cybrid studies supported the functional impact of this variant (PS3_supporting; PMID: 14998933, 8078883, 19875463). In summary, this variant meets criteria to be classified as pathogenic for primary mitochondrial disease inherited in a mitochondrial manner. This classification was approved by the NICHD U24 Mitochondrial Disease Variant Curation Expert Panel on March 22, 2021. Mitochondrial DNA-specific ACMG/AMP criteria applied: PS3_supporting, PS4, PM2_supporting, PM5, PM6_strong, PP1_moderate, PP3).

3billion
Classification: Pathogenic for MT-ATP6-related disorder. Last evaluated: 2025-11-03. Review status: criteria provided, single submitter. Criteria: ACMG Guidelines, 2015. Collection method: clinical testing. Allele origin: germline. Affected: yes. Not counted in ClinVar's aggregate classification.
Comment: The variant is not observed in the gnomAD v4.1.0 dataset. Predicted Consequence/Location: Mitochondrial variant In silico tool predictions suggest damaging effect of the variant on gene or gene product [APOGEE2: 0.97 (>= 0.716)]. The same nucleotide change resulting in the same amino acid change has been previously reported as pathogenic/likely pathogenic with strong evidence (3billion dataset/ClinVar ID: VCV000009641). The variant has been observed in multiple (>3) similarly affected unrelated individuals (PMID: 20301352, 26633545, 27015314). Therefore, this variant is classified as Pathogenic according to the recommendation of ACMG/AMP guideline.

Variantyx, Inc.
Classification: Pathogenic for primary mitochondrial disorders. Last evaluated: 2025-11-03. Review status: criteria provided, single submitter. Criteria: Variantyx Assertion Criteria 2022. Collection method: clinical testing. Allele origin: germline. Inheritance: Mitochondrial inheritance. Not counted in ClinVar's aggregate classification.
Comment: The m.8993T>C variant is a nonsynonymous single nucleotide change in the MT-ATP6 gene. This variant has been identified in many individuals with MT-ATP6-related disorders and has been found to segregate with disease in affected families (PS4_Very_Strong) (PP1_Strong) (PMID: 10604142, 8395787, 16532470, 30128709, 29101127, 28003964, 26265210, 22819295, 19046652, 18055910, 16049925). Another nucleotide change at this position, m.8993T>G is also pathogenic, suggesting this position is of functional significance (PM5) (PMID: 10604142). Functional studies have shown that this variant alters MT-ATP6 protein function (PS3_Supporting) (PMID: 19160410) and multiple lines of computational evidence support a deleterious effect on the gene or gene product (PP3). .The variant has a 0.0035% maximal allele frequency in the population databases available for review (PM2-Supporting). A reputable source recently reports this variant as pathogenic, but the evidence is not available to the laboratory to perform an independent evaluation (PP5). Based on the current evidence, this variant is classified as pathogenic.

Department of Molecular Genetics, Istishari Arab Hospital
Classification: Pathogenic for Mitochondrial complex 5 (ATP synthase) deficiency, mitochondrial type 1. Last evaluated: 2025-10-06. Review status: criteria provided, single submitter. Criteria: ACMG Guidelines, 2015. Collection method: clinical testing. Allele origin: maternal. Inheritance: Mitochondrial inheritance. Affected: yes. Not counted in ClinVar's aggregate classification.
Comment: The m.8993T>G variant in the MT-ATP6 gene causes an amino acid change from Leu to Arg at position 156. The same nucleotide change resulting in the same amino acid change has been previously reported as pathogenic/likely pathogenic with strong evidence (ClinVar ID: VCV000009641). The variant has been observed in multiple (>3) similarly affected unrelated individuals (PMID: 20301352, 26633545, 27015314). This variant is classified as likely pathogenic by the Mitochondrial Diseases VCEP. It is classified as pathogenic based on the implementation of the ACMG guidelines.

Department of Paediatrics at Addenbrookes, Cambridge University Hospitals NHS Foundation Trust (UK)
Classification: Pathogenic for Mitochondrial disease. Last evaluated: 2025-05-27. Review status: criteria provided, single submitter. Criteria: Durkie Uk Practice Guidelines For Variant Classification V12 2024 (1). Collection method: clinical testing. Allele origin: unknown. Not counted in ClinVar's aggregate classification.
Comment: PS3_Supporting; PS4_Strong; PM2_Moderate; PM5_Moderate; PM6_Moderate; PP1_Moderate; PP3_Supporting

Institute of Human Genetics, University of Leipzig Medical Center
Classification: Pathogenic for Leigh syndrome. Last evaluated: 2024-06-16. Review status: criteria provided, single submitter. Criteria: ACMG Guidelines, 2015. Collection method: clinical testing. Allele origin: de novo. Inheritance: Mitochondrial inheritance. Affected: yes. Not counted in ClinVar's aggregate classification.
Comment: Criteria applied: PS4,PM6_STR,PM5,PP1_MOD,PS3_SUP,PM2_SUP,PP3

Department of Human Genetics, Hannover Medical School
Classification: Pathogenic for Leigh syndrome. Last evaluated: 2024-05-02. Review status: criteria provided, single submitter. Criteria: ACMG Guidelines, 2015. Collection method: clinical testing. Allele origin: germline. Affected: yes. Not counted in ClinVar's aggregate classification.

Institute of Medical Genetics and Applied Genomics, University Hospital Tübingen
Classification: Pathogenic for Leigh syndrome. Last evaluated: 2023-11-30. Review status: criteria provided, single submitter. Criteria: ACMG Guidelines, 2015. Collection method: clinical testing. Allele origin: germline. Inheritance: Mitochondrial inheritance. Affected: yes. Not counted in ClinVar's aggregate classification.